The following is an entry in ClinVar:

ClinVar aggregate classification (germline): Likely benign (1 of 4 stars; one submission).

Allele frequency attached by ClinVar (database versions not stated): 1000 Genomes Project 0.00040; 1000 Genomes Project 30x 0.00047; ESP Exome Variant Server 0.00077; TOPMed 0.00078; gnomAD 0.00096; ExAC 0.00108.
gnomAD v4.1: 2,377 of 1,614,102 alleles (0.15%); highest among the groups gnomAD compares: South Asian, 0.21%; 7 homozygotes.

Submission:

CeGaT Center for Human Genetics Tuebingen
Classification: Likely benign. Last evaluated: 2022-09-01. Review status: criteria provided, single submitter. Criteria: CeGaT Center For Human Genetics Tuebingen Variant Classification Criteria Version 2. Collection method: clinical testing. Allele origin: germline. Affected: yes. Observed: 1 variant allele.
Comment: IKBKE: BP4, BP7

NM_014002.4(IKBKE):c.136C>T (p.Leu46=)

Gene: IKBKE (inhibitor of nuclear factor kappa B kinase subunit epsilon; plus strand). Cytogenetic location: 1q32.1.
Variant type: single nucleotide variant.
Coding change: c.136C>T on transcript NM_014002.4 (MANE Select); coding-DNA position 136, C replaced by T.
Protein change: p.Leu46=; no amino-acid change (leucine 46 retained).
Molecular consequence: synonymous variant. On other transcripts: 5 prime UTR variant (1).
Genome position (GRCh38, 1-based): chr1:206,474,379, C>T. VCF-style: chr1-206474379-C-T. GRCh37 (hg19) VCF-style: chr1-206647722-C-T.
Other names: c.-120C>T (NM_001193321.2); c.136C>T, p.Leu46= (NM_001193322.2).
Identifiers: ClinVar variation 2639859 (VCV002639859.24), dbSNP rs56035621, ClinGen allele CA1361172.